The following is an entry in ClinVar:

ClinVar aggregate classification (germline): Uncertain significance (1 of 4 stars; one submission).

Conditions:
Hereditary cancer-predisposing syndrome. Also called: Neoplastic Syndromes, Hereditary; Hereditary neoplastic syndrome; Tumor predisposition; Hereditary Cancer Syndrome. Identifiers: Orphanet 140162, MedGen C0027672, MeSH D009386, MONDO:0015356.

Submission:

Ambry Genetics
Classification: Uncertain significance for Hereditary cancer-predisposing syndrome. Last evaluated: 2026-01-15. Review status: criteria provided, single submitter. Criteria: Ambry Variant Classification Scheme 2023. Collection method: clinical testing. Allele origin: germline.
Comment: The p.S1460R variant (also known as c.4378A>C), located in coding exon 12 of the BRCA1 gene, results from an A to C substitution at nucleotide position 4378. The serine at codon 1460 is replaced by arginine, an amino acid with dissimilar properties. This amino acid position is not well conserved in available vertebrate species. In addition, the in silico prediction for this alteration is inconclusive. Based on the available evidence, the clinical significance of this variant remains unclear.

NM_007294.4(BRCA1):c.4378A>C (p.Ser1460Arg)

Gene: BRCA1 (BRCA1 DNA repair associated; minus strand). Cytogenetic location: 17q21.31.
Variant type: single nucleotide variant.
Coding change: c.4378A>C on transcript NM_007294.4 (MANE Select); coding-DNA position 4378, A replaced by C.
Protein change: p.Ser1460Arg; replaces serine 1460 with arginine.
Molecular consequence: missense variant. On other transcripts: intron variant (3).
Genome position (GRCh38, 1-based): chr17:43,076,594, T>G on the plus strand (A>C on the coding strand, the complement: BRCA1 is on the minus strand). VCF-style: chr17-43076594-T-G. GRCh37 (hg19) VCF-style: chr17-41228611-T-G.
Other names: c.685A>C, p.Ser229Arg (NM_001408511.1); c.565A>C, p.Ser189Arg (NM_001408512.1); c.4237A>C, p.Ser1413Arg (NM_007297.4, NM_001407942.1, NM_001407692.1 and 13 more transcripts); c.1066A>C, p.Ser356Arg (NM_007298.4, NM_007299.4, NM_001408472.1 and 12 more transcripts); c.4441A>C, p.Ser1481Arg (NM_007300.4, NM_001407583.1, NM_001407585.1 and 1 more transcripts); c.836-5356A>C (NM_001408513.1); c.4214-5356A>C (NM_001407964.1); c.838+5810A>C (NM_001408514.1); and 71 more; short protein forms S1164R, S1372R, S1411R, S1413R, S1416R, S1418R, S1455R, S247R.
Identifiers: ClinVar variation 4824189 (VCV004824189.1).